The following is an entry in ClinVar:

NM_007186.6(CEP250):c.7051G>A (p.Glu2351Lys)

Gene: CEP250 (centrosomal protein 250; plus strand). Cytogenetic location: 20q11.22.
Variant type: single nucleotide variant.
Coding change: c.7051G>A on transcript NM_007186.6 (MANE Select); coding-DNA position 7051, G replaced by A.
Protein change: p.Glu2351Lys; replaces glutamic acid 2351 with lysine.
Molecular consequence: missense variant.
Genome position (GRCh38, 1-based): chr20:35,510,040, G>A. VCF-style: chr20-35510040-G-A. GRCh37 (hg19) VCF-style: chr20-34097869-G-A.
Other names: c.7051G>A (NM_007186.3); c.5155G>A, p.Glu1719Lys (NM_001318219.1); short protein forms E1719K, E2351K.
Identifiers: ClinVar variation 1901364 (VCV001901364.6), dbSNP rs2064310724, ClinGen allele CA408761352.

ClinVar aggregate classification (germline): Uncertain significance. Review status: criteria provided, multiple submitters, no conflicts (2 of 4 stars). 2 submissions from 2 submitters: Uncertain significance (2). Last evaluated 2025-06-07.

Allele frequency attached by ClinVar (database versions not stated): gnomAD exomes below 0.00001.
gnomAD v4.1: 1 of 1,614,180 alleles (0.000062%); highest among the groups gnomAD compares: Admixed American, 0.0017%; no homozygotes.

Submissions (2):

Ambry Genetics
Classification: Uncertain significance. Last evaluated: 2025-06-07. Review status: criteria provided, single submitter. Criteria: Ambry Variant Classification Scheme 2023. Collection method: clinical testing. Allele origin: germline.

Labcorp Genetics (formerly Invitae), Labcorp
Classification: Uncertain significance. Last evaluated: 2023-11-13. Review status: criteria provided, single submitter. Criteria: Invitae Variant Classification Sherloc (09022015). Collection method: clinical testing. Allele origin: germline.
Comment: This sequence change replaces glutamic acid, which is acidic and polar, with lysine, which is basic and polar, at codon 2351 of the CEP250 protein (p.Glu2351Lys). This variant is not present in population databases (gnomAD no frequency). This variant has not been reported in the literature in individuals affected with CEP250-related conditions. ClinVar contains an entry for this variant (Variation ID: 1901364). An algorithm developed to predict the effect of missense changes on protein structure and function (PolyPhen-2) suggests that this variant is likely to be tolerated. In summary, the available evidence is currently insufficient to determine the role of this variant in disease. Therefore, it has been classified as a Variant of Uncertain Significance.